The following is an entry in ClinVar:

NM_003873.7(NRP1):c.826A>T (p.Met276Leu)

Gene: NRP1 (neuropilin 1; minus strand). Cytogenetic location: 10p11.22.
Variant type: single nucleotide variant.
Coding change: c.826A>T on transcript NM_003873.7 (MANE Select); coding-DNA position 826, A replaced by T.
Protein change: p.Met276Leu; replaces methionine 276 with leucine.
Molecular consequence: missense variant. On other transcripts: non-coding transcript variant (1).
Genome position (GRCh38, 1-based): chr10:33,254,183, T>A on the plus strand (A>T on the coding strand, the complement: NRP1 is on the minus strand). VCF-style: chr10-33254183-T-A. GRCh37 (hg19) VCF-style: chr10-33543111-T-A.
Other names: c.826A>T, p.Met276Leu (NM_001024628.3, NM_001024629.3, NM_001244972.2 and 2 more transcripts); short protein forms M276L.
Identifiers: ClinVar variation 3358514 (VCV003358514.1).
Genomic context (GRCh38, chr10:33,254,183, plus strand): 5'-GGGAAGAAGCTGTGATCTGGTCAGAATGAATTTCTCCTGATTCCATGCCCAGAGCTTCCA[T>A]ACATTTGAAATCTGAAGGGAAAAACAGGGCCCACAGTCATCAAAATATAGGGGATTTAAG-3'
Protein context (NP_003864.5, residues 266-286): QSSVSEDFKC[Met276Leu]EALGMESGEI

ClinVar aggregate classification (germline): Uncertain significance (0 of 4 stars; one submission).

Conditions:
NRP1-related disorder. Also called: NRP1-related condition.

Submission:

PreventionGenetics, part of Exact Sciences
Classification: Uncertain significance for NRP1-related condition. Last evaluated: 2024-08-06. Review status: no assertion criteria provided. Collection method: clinical testing. Allele origin: germline.
Comment: The NRP1 c.826A>T variant is predicted to result in the amino acid substitution p.Met276Leu. To our knowledge, this variant has not been reported in the literature or in a large population database, indicating this variant is rare. At this time, the clinical significance of this variant is uncertain due to the absence of conclusive functional and genetic evidence.